The following is an entry in ClinVar:

NM_000130.5(F5):c.5598T>C (p.Pro1866=)

Gene: F5 (coagulation factor V; minus strand). Cytogenetic location: 1q24.2.
Variant type: single nucleotide variant.
Coding change: c.5598T>C on transcript NM_000130.5 (MANE Select); coding-DNA position 5598, T replaced by C.
Protein change: p.Pro1866=; no amino-acid change (proline 1866 retained).
Molecular consequence: synonymous variant.
Genome position (GRCh38, 1-based): chr1:169,527,916, A>G on the plus strand (T>C on the coding strand, the complement: F5 is on the minus strand). VCF-style: chr1-169527916-A-G. GRCh37 (hg19) VCF-style: chr1-169497154-A-G.
Identifiers: ClinVar variation 3035673 (VCV003035673.2), dbSNP rs1227193883, ClinGen allele CA421735619.
Genomic context (GRCh38, chr1:169,527,916, plus strand): 5'-CAGATTGCCTTTTCCCTGTATTTCTTAGCAGGGACCTCTTCCCATTACCCAATCTTTACC[A>G]GGCAGAAGGGGCCAGACCCCTAACTGGTGCTGTTTATTGCCATTTTCCAGCAAGGTCTGG-3'
Protein context (NP_000121.2, residues 1856-1876): QHQLGVWPLL[Pro1866=]GSFKTLEMKA

ClinVar aggregate classification (germline): Likely benign (0 of 4 stars; one submission).

Conditions:
F5-related disorder. Also called: F5-related condition.

Allele frequency attached by ClinVar (database versions not stated): gnomAD exomes below 0.00001.
gnomAD v4.1: 1 of 1,613,320 alleles (0.000062%); highest among the groups gnomAD compares: Non-Finnish European, 0.000085%; no homozygotes.

Submission:

PreventionGenetics, part of Exact Sciences
Classification: Likely benign for F5-related condition. Last evaluated: 2019-08-13. Review status: no assertion criteria provided. Collection method: clinical testing. Allele origin: germline.
Comment: This variant is classified as likely benign based on ACMG/AMP sequence variant interpretation guidelines (Richards et al. 2015 PMID: 25741868, with internal and published modifications).